The following is an entry in ClinVar:

NM_007262.5(PARK7):c.105dup (p.Ala36fs)

Gene: PARK7 (Parkinsonism associated deglycase; plus strand). Cytogenetic location: 1p36.23.
Variant type: Duplication.
Coding change: c.105dup on transcript NM_007262.5 (MANE Select); coding-DNA position 105, one base duplicated (T; older notation c.105dupT).
Protein change: p.Ala36fs; shifts the reading frame from alanine 36.
Molecular consequence: frameshift variant.
Genome position (GRCh38, 1-based): chr1:7,965,338, T duplicated; the last of 2 consecutive T bases (chr1:7,965,337-7,965,338); duplicating either gives the same sequence. VCF-style (leftmost placement, unchanged base first): chr1-7965336-G-GT. GRCh37 (hg19) VCF-style: chr1-8025396-G-GT.
Other names: c.105dup, p.Ala36fs (NM_001123377.2); c.105dupT (NM_007262.4, NM_007262.5); short protein forms A36fs.
Identifiers: ClinVar variation 573287 (VCV000573287.12), dbSNP rs781600849, ClinGen allele CA17284342.

ClinVar aggregate classification (germline): Pathogenic. Review status: criteria provided, multiple submitters, no conflicts (2 of 4 stars). 5 submissions from 5 submitters: Pathogenic (5). Last evaluated 2026-04-16.

Conditions:
Autosomal recessive early-onset Parkinson disease 7. Identifiers: Orphanet 2828, MedGen C1853445, MONDO:0011658, OMIM 606324.

Submissions (5):

Dasa
Classification: Pathogenic. Last evaluated: 2026-04-16. Review status: criteria provided, single submitter. Criteria: DASA Assertion Criteria. Collection method: clinical testing. Allele origin: germline.
Comment: NM_007262.5(PARK7):c.105dup (p.Ala36Cysfs*12) introduces a premature termination codon predicted to result in loss of normal protein function. Loss-of-function is an established mechanism of disease for this gene. This variant has been reported in an affected individual with related phenotype in a genotype context consistent with recessive disease (PMID: 31028127). The variant is present at low frequency in population datasets. Based on the available data, this variant is classified as pathogenic.

Labcorp Genetics (formerly Invitae), Labcorp
Classification: Pathogenic for Autosomal recessive early-onset Parkinson disease 7. Last evaluated: 2025-09-22. Review status: criteria provided, single submitter. Criteria: Invitae Variant Classification Sherloc (09022015). Collection method: clinical testing. Allele origin: germline.
Comment: This sequence change creates a premature translational stop signal (p.Ala36Cysfs*12) in the PARK7 gene. It is expected to result in an absent or disrupted protein product. Loss-of-function variants in PARK7 are known to be pathogenic (PMID: 12446870, 12891685). This variant is present in population databases (rs781600849, gnomAD 0.003%). This variant has not been reported in the literature in individuals affected with PARK7-related conditions. ClinVar contains an entry for this variant (Variation ID: 573287). For these reasons, this variant has been classified as Pathogenic.

Genetics and Molecular Pathology, SA Pathology
Classification: Pathogenic for Autosomal recessive early-onset Parkinson disease 7. Last evaluated: 2022-03-18. Review status: criteria provided, single submitter. Criteria: ACMG Guidelines, 2015. Collection method: clinical testing. Allele origin: germline. Affected: yes.

Fulgent Genetics
Classification: Pathogenic for Autosomal recessive early-onset Parkinson disease 7. Last evaluated: 2021-11-10. Review status: criteria provided, single submitter. Criteria: ACMG Guidelines, 2015. Collection method: clinical testing. Allele origin: unknown.

AiLife Diagnostics
Classification: Pathogenic. Last evaluated: 2020-11-10. Review status: criteria provided, single submitter. Criteria: ACMG Guidelines, 2015. Collection method: clinical testing. Allele origin: germline. Affected: yes. Observed: 1 variant allele.

Literature cited by the submitters: PubMed 31028127 (cited by Dasa and AiLife Diagnostics); PubMed 12446870 (cited by Labcorp Genetics (formerly Invitae), Labcorp); PubMed 12891685 (cited by Labcorp Genetics (formerly Invitae), Labcorp).